The following is an entry in ClinVar:

NM_001199138.2(NLRC4):c.1094C>A (p.Thr365Asn)

Gene: NLRC4 (NLR family CARD domain containing 4; minus strand). Cytogenetic location: 2p22.3.
Variant type: single nucleotide variant.
Coding change: c.1094C>A on transcript NM_001199138.2 (MANE Select); coding-DNA position 1094, C replaced by A.
Protein change: p.Thr365Asn; replaces threonine 365 with asparagine.
Molecular consequence: missense variant. On other transcripts: intron variant (1).
Genome position (GRCh38, 1-based): chr2:32,250,770, G>T on the plus strand (C>A on the coding strand, the complement: NLRC4 is on the minus strand). VCF-style: chr2-32250770-G-T. GRCh37 (hg19) VCF-style: chr2-32475839-G-T.
Other names: c.1094C>A, p.Thr365Asn (NM_001199139.2, NM_021209.5); c.262+1649C>A (NM_001302504.1); short protein forms T365N.
Identifiers: ClinVar variation 2004765 (VCV002004765.4), dbSNP rs1252182440, ClinGen allele CA346513511.
Genomic context (GRCh38, chr2:32,250,770, plus strand): 5'-TCACTTGCAGCCACACCTTTATGTTTGTGTTTGTTTTTCTGTATCAACAGATCATAGAAG[G>T]TATGGAACAGCGTTGTTTGTGTGTGAGAGTGGAACTCACTTTCACCCATCTGGATTGCAC-3'
Protein context (NP_001186067.1, residues 355-375): HSHTQTTLFH[Thr365Asn]FYDLLIQKNK

ClinVar aggregate classification (germline): Uncertain significance (1 of 4 stars; one submission).

Conditions:
Periodic fever-infantile enterocolitis-autoinflammatory syndrome. Also called: Autoinflammation with infantile enterocolitis. Identifiers: Orphanet 436166, MedGen C4015067, MONDO:0014472, OMIM 616050.
Familial cold autoinflammatory syndrome 4 (FCAS4). Identifiers: Orphanet 47045, Orphanet 576349, MedGen C4015276, MONDO:0014498, OMIM 616115.

Allele frequency attached by ClinVar (database versions not stated): gnomAD exomes below 0.00001.
gnomAD v4.1: 1 of 1,614,188 alleles (0.000062%); highest among the groups gnomAD compares: Non-Finnish European, 0.000085%; no homozygotes.

Submission:

Labcorp Genetics (formerly Invitae), Labcorp
Classification: Uncertain significance for Periodic fever-infantile enterocolitis-autoinflammatory syndrome; Familial cold autoinflammatory syndrome 4. Last evaluated: 2023-10-13. Review status: criteria provided, single submitter. Criteria: Invitae Variant Classification Sherloc (09022015). Collection method: clinical testing. Allele origin: germline.
Comment: This sequence change replaces threonine, which is neutral and polar, with asparagine, which is neutral and polar, at codon 365 of the NLRC4 protein (p.Thr365Asn). This variant is present in population databases (no rsID available, gnomAD 0.003%). This variant has not been reported in the literature in individuals affected with NLRC4-related conditions. ClinVar contains an entry for this variant (Variation ID: 2004765). Advanced modeling of protein sequence and biophysical properties (such as structural, functional, and spatial information, amino acid conservation, physicochemical variation, residue mobility, and thermodynamic stability) has been performed at Invitae for this missense variant, however the output from this modeling did not meet the statistical confidence thresholds required to predict the impact of this variant on NLRC4 protein function. In summary, the available evidence is currently insufficient to determine the role of this variant in disease. Therefore, it has been classified as a Variant of Uncertain Significance.